The following is an entry in ClinVar:

ClinVar aggregate classification (germline): Pathogenic (1 of 4 stars; one submission).

Submission:

Labcorp Genetics (formerly Invitae), Labcorp
Classification: Pathogenic. Last evaluated: 2024-02-23. Review status: criteria provided, single submitter. Criteria: Invitae Variant Classification Sherloc (09022015). Collection method: clinical testing. Allele origin: germline.
Comment: This sequence change creates a premature translational stop signal (p.Glu1250Alafs*20) in the TET2 gene. It is expected to result in an absent or disrupted protein product. Loss-of-function variants in TET2 are known to be pathogenic (PMID: 36066697). This variant is not present in population databases (gnomAD no frequency). This variant has not been reported in the literature in individuals affected with TET2-related conditions. For these reasons, this variant has been classified as Pathogenic.

Literature cited by the submitters: PubMed 36066697.

NM_001127208.3(TET2):c.3740_3746dup (p.Glu1250fs)

Genes: TET2 (tet methylcytosine dioxygenase 2; plus strand), TET2-AS1 (TET2 antisense RNA 1; minus strand). Cytogenetic location: 4q24.
Variant type: Duplication.
Coding change: c.3740_3746dup on transcript NM_001127208.3 (MANE Select); coding-DNA positions 3740 to 3746, 7 bases duplicated (AGCTTAC; older notation c.3740_3746dupAGCTTAC).
Protein change: p.Glu1250fs; shifts the reading frame from glutamic acid 1250.
Molecular consequence: frameshift variant.
Genome position (GRCh38, 1-based): chr4:105,243,715-105,243,721, AGCTTAC duplicated. VCF-style (leftmost placement, unchanged base first): chr4-105243714-G-GAGCTTAC. GRCh37 (hg19) VCF-style: chr4-106164871-G-GAGCTTAC.
Other names: short protein forms E1250fs.
Identifiers: ClinVar variation 2812275 (VCV002812275.3), dbSNP rs2476537984, ClinGen allele CA2739270187.